The following is an entry in ClinVar:

NM_000169.3(GLA):c.237A>G (p.Glu79=)

Genes: GLA (galactosidase alpha; minus strand), RPL36A-HNRNPH2 (RPL36A-HNRNPH2 readthrough; plus strand). Cytogenetic location: Xq22.1.
Variant type: single nucleotide variant.
Coding change: c.237A>G on transcript NM_000169.3 (MANE Select); coding-DNA position 237, A replaced by G.
Protein change: p.Glu79=; no amino-acid change (glutamic acid 79 retained).
Molecular consequence: synonymous variant. On other transcripts: non-coding transcript variant (3), intron variant (2).
Genome position (GRCh38, 1-based): chrX:101,403,943, T>C on the plus strand (A>G on the coding strand, the complement: GLA is on the minus strand). VCF-style: chrX-101403943-T-C. GRCh37 (hg19) VCF-style: chrX-100658931-T-C.
Other names: c.360A>G, p.Glu120= (NM_001406747.1, NM_001406749.1); c.237A>G, p.Glu79= (NM_001406748.1); c.301-7993T>C (NM_001199973.2); c.178-7993T>C (NM_001199974.2).
Identifiers: ClinVar variation 1620837 (VCV001620837.9), dbSNP rs2147480859, ClinGen allele CA517524309.

ClinVar aggregate classification (germline): Likely benign. Review status: criteria provided, multiple submitters, no conflicts (2 of 4 stars). 2 submissions from 2 submitters: Likely benign (2). Last evaluated 2024-10-15.

Conditions:
Fabry disease. Also called: Fabry's disease; ALPHA-GALACTOSIDASE A DEFICIENCY; ANDERSON-FABRY DISEASE; CERAMIDE TRIHEXOSIDASE DEFICIENCY; GLA DEFICIENCY; HEREDITARY DYSTOPIC LIPIDOSIS. Identifiers: Orphanet 324, MedGen C0002986, MONDO:0010526, OMIM 301500, HP:0001071. Disease mechanism: Fabry disease is due to inactivating mutations in the X-linked GLA gene resulting in deficiency of the enzyme Alpha Galactosidase-A., loss of function.

Submissions (2):

Labcorp Genetics (formerly Invitae), Labcorp
Classification: Likely benign for Fabry disease. Last evaluated: 2024-10-15. Review status: criteria provided, single submitter. Criteria: Invitae Variant Classification Sherloc (09022015). Collection method: clinical testing. Allele origin: germline.

All of Us Research Program, National Institutes of Health
Classification: Likely benign for Fabry disease. Last evaluated: 2023-11-20. Review status: criteria provided, single submitter. Criteria: ACMG Guidelines, 2015. Collection method: clinical testing. Allele origin: germline. Inheritance: X-linked inheritance. Observed: 1 variant allele, 1 hemizygote.
Comment: This study involves interpretation of variants in research participants for the purpose of population health screening. Participant phenotype was not available at the time of variant classification. Additional details can be found in publication PMID: 35346344, PMCID: PMC8962531